The following is an entry in ClinVar:

ClinVar aggregate classification (germline): Pathogenic (1 of 4 stars; one submission).

Submission:

Labcorp Genetics (formerly Invitae), Labcorp
Classification: Pathogenic. Last evaluated: 2021-08-26. Review status: criteria provided, single submitter. Criteria: Invitae Variant Classification Sherloc (09022015). Collection method: clinical testing. Allele origin: germline.
Comment: This sequence change creates a premature translational stop signal (p.Glu219Alafs*152) in the KCNV2 gene. It is expected to result in an absent or disrupted protein product. Loss-of-function variants in KCNV2 are known to be pathogenic (PMID: 16909397, 18235024). For these reasons, this variant has been classified as Pathogenic. This variant has not been reported in the literature in individuals affected with KCNV2-related conditions. This variant is not present in population databases (ExAC no frequency).

Literature cited by the submitters: PubMed 16909397; PubMed 18235024.

NM_133497.4(KCNV2):c.656_657del (p.Glu219fs)

Gene: KCNV2 (potassium voltage-gated channel modifier subfamily V member 2; plus strand). Cytogenetic location: 9p24.2.
Variant type: Deletion.
Coding change: c.656_657del on transcript NM_133497.4 (MANE Select); coding-DNA positions 656 to 657, 2 bases deleted (AG; older notation c.656_657delAG).
Protein change: p.Glu219fs; shifts the reading frame from glutamic acid 219.
Molecular consequence: frameshift variant.
Genome position (GRCh38, 1-based): chr9:2,718,395-2,718,396, AG deleted; deleting any 2 consecutive bases within chr9:2,718,394-2,718,396 gives the same sequence; the c. name uses the placement nearest the transcript's 3' end. VCF-style (leftmost placement, unchanged base first): chr9-2718393-CGA-C. GRCh37 (hg19) VCF-style: chr9-2718393-CGA-C.
Other names: short protein forms E219fs.
Identifiers: ClinVar variation 1434970 (VCV001434970.6), dbSNP rs2130860973, ClinGen allele CA2573144439.
Genomic context (GRCh38, chr9:2,718,393, plus strand): 5'-CTGCCGCATCTGCTTCGAGGAGCGGCGCGACGAGCTGAGCGAACGGCTCAAGATCCAGCA[CGA>C]GCTGCGCGCGCAGGCGCAGGTCGAGGAGGCGGAGGAACTCTTCCGCGACATGCGCTTCTA-3'